The following is an entry in ClinVar:

NM_001283009.2(RTEL1):c.2318C>G (p.Ala773Gly)

Genes: RTEL1 (regulator of telomere elongation helicase 1; plus strand), RTEL1-TNFRSF6B (RTEL1-TNFRSF6B readthrough (NMD candidate); plus strand). Cytogenetic location: 20q13.33.
Variant type: single nucleotide variant.
Coding change: c.2318C>G on transcript NM_001283009.2 (MANE Select); coding-DNA position 2318, C replaced by G.
Protein change: p.Ala773Gly; replaces alanine 773 with glycine.
Molecular consequence: missense variant. On other transcripts: non-coding transcript variant (1).
Genome position (GRCh38, 1-based): chr20:63,690,346, C>G. VCF-style: chr20-63690346-C-G. GRCh37 (hg19) VCF-style: chr20-62321699-C-G.
Other names: c.1649C>G, p.Ala550Gly (NM_001283010.1); c.2318C>G, p.Ala773Gly (NM_016434.4); c.2390C>G, p.Ala797Gly (NM_032957.5); short protein forms A550G, A773G, A797G.
Identifiers: ClinVar variation 1471605 (VCV001471605.5), dbSNP rs746270116, ClinGen allele CA9965282.
Genomic context (GRCh38, chr20:63,690,346, plus strand): 5'-TTCTGCAGATGCCAGCGCCGGCCCCCCGGGCTACAGCACCCAGTGTGCGTGGAGAAGATG[C>G]TGTCAGCGAGGCCAAGTCGCCTGGCCCCTTCTTCTCCACCAGGAAAGCTAAGAGTCTGGA-3'
Protein context (NP_001269938.1, residues 763-783): ATAPSVRGED[Ala773Gly]VSEAKSPGPF

ClinVar aggregate classification (germline): Uncertain significance. Review status: criteria provided, multiple submitters, no conflicts (2 of 4 stars). 2 submissions from 2 submitters: Uncertain significance (2). Last evaluated 2025-03-17.

Conditions:
Dyskeratosis congenita, autosomal recessive 5 (DKCB5). Identifiers: MedGen C3554656, MONDO:0014076, OMIM 615190.
Pulmonary fibrosis and/or bone marrow failure, Telomere-related, 3. Also called: PULMONARY FIBROSIS AND/OR BONE MARROW FAILURE SYNDROME, TELOMERE-RELATED, 3. Identifiers: Orphanet 2032, MedGen C4225346, MONDO:0014613, OMIM 616373.
Inborn genetic diseases. Identifiers: MedGen C0950123, MeSH D030342.

Allele frequency attached by ClinVar (database versions not stated): gnomAD 0.00005; ExAC 0.00001; TOPMed 0.00007.
gnomAD v4.1: 10 of 1,611,536 alleles (0.00062%); highest among the groups gnomAD compares: African/African-American, 0.013%; no homozygotes.

Submissions (2):

Labcorp Genetics (formerly Invitae), Labcorp
Classification: Uncertain significance for Dyskeratosis congenita, autosomal recessive 5; Pulmonary fibrosis and/or bone marrow failure, Telomere-related, 3. Last evaluated: 2025-03-17. Review status: criteria provided, single submitter. Criteria: Invitae Variant Classification Sherloc (09022015). Collection method: clinical testing. Allele origin: germline.
Comment: This sequence change replaces alanine, which is neutral and non-polar, with glycine, which is neutral and non-polar, at codon 773 of the RTEL1 protein (p.Ala773Gly). This variant is present in population databases (rs746270116, gnomAD 0.02%). This variant has not been reported in the literature in individuals affected with RTEL1-related conditions. ClinVar contains an entry for this variant (Variation ID: 1471605). An algorithm developed to predict the effect of missense changes on protein structure and function (PolyPhen-2) suggests that this variant is likely to be tolerated. In summary, the available evidence is currently insufficient to determine the role of this variant in disease. Therefore, it has been classified as a Variant of Uncertain Significance.

Ambry Genetics
Classification: Uncertain significance for Inborn genetic diseases. Last evaluated: 2024-10-02. Review status: criteria provided, single submitter. Criteria: Ambry Variant Classification Scheme 2023. Collection method: clinical testing. Allele origin: germline.
Comment: The p.A773G variant (also known as c.2318C>G), located in coding exon 25 of the RTEL1 gene, results from a C to G substitution at nucleotide position 2318. The alanine at codon 773 is replaced by glycine, an amino acid with similar properties. This amino acid position is conserved. In addition, this alteration is predicted to be tolerated by in silico analysis. Based on the available evidence, the clinical significance of this variant remains unclear.